The following is an entry in ClinVar:

ClinVar aggregate classification (germline): Uncertain significance (1 of 4 stars; one submission).

Conditions:
Neurofibromatosis, type 1 (NF1). Also called: NEUROFIBROMATOSIS, TYPE I, SOMATIC; Peripheral type neurofibromatosis; VON RECKLINGHAUSEN DISEASE; Neurofibromatosis, type I. Identifiers: Orphanet 636, MedGen C0027831, MONDO:0018975, OMIM 162200. Disease mechanism: loss of function.

Submission:

Labcorp Genetics (formerly Invitae), Labcorp
Classification: Uncertain significance for Neurofibromatosis, type 1. Last evaluated: 2020-07-19. Review status: criteria provided, single submitter. Criteria: Invitae Variant Classification Sherloc (09022015). Collection method: clinical testing. Allele origin: germline.
Comment: In summary, the available evidence is currently insufficient to determine the role of this variant in disease. Therefore, it has been classified as a Variant of Uncertain Significance. Advanced modeling of protein sequence and biophysical properties (such as structural, functional, and spatial information, amino acid conservation, physicochemical variation, residue mobility, and thermodynamic stability) performed at Invitae indicates that this missense variant is not expected to disrupt NF1 protein function. This variant has been reported in individuals in the Leiden Open-source Variation Database (PMID: 21520333). This variant is not present in population databases (ExAC no frequency). This sequence change replaces asparagine with serine at codon 1582 of the NF1 protein (p.Asn1582Ser). The asparagine residue is moderately conserved and there is a small physicochemical difference between asparagine and serine.

Literature cited by the submitters: PubMed 21520333.

NM_001042492.3(NF1):c.4808A>G (p.Asn1603Ser)

Gene: NF1 (neurofibromin 1; plus strand). Cytogenetic location: 17q11.2.
Variant type: single nucleotide variant.
Coding change: c.4808A>G on transcript NM_001042492.3 (MANE Select); coding-DNA position 4808, A replaced by G.
Protein change: p.Asn1603Ser; replaces asparagine 1603 with serine.
Molecular consequence: missense variant.
Genome position (GRCh38, 1-based): chr17:31,265,312, A>G. VCF-style: chr17-31265312-A-G. GRCh37 (hg19) VCF-style: chr17-29592330-A-G.
Other names: c.4745A>G, p.Asn1582Ser (NM_000267.4); short protein forms N1582S, N1603S.
Identifiers: ClinVar variation 1002109 (VCV001002109.5), dbSNP rs2067766672, ClinGen allele CA399001334.